The following is an entry in ClinVar:

NM_020859.4(SHROOM3):c.168+11474G>A

Gene: SHROOM3 (shroom family member 3; plus strand). Cytogenetic location: 4q21.1.
Variant type: single nucleotide variant.
Coding change: c.168+11474G>A on transcript NM_020859.4 (MANE Select); 11474 bases into the intron after coding-DNA position 168, G replaced by A.
Molecular consequence: intron variant.
Genome position (GRCh38, 1-based): chr4:76,447,694, G>A. VCF-style: chr4-76447694-G-A. GRCh37 (hg19) VCF-style: chr4-77368847-G-A.
Identifiers: ClinVar variation 1263431 (VCV001263431.2), dbSNP rs17319721, ClinGen allele CA15311666.

ClinVar aggregate classification (germline): Benign (1 of 4 stars; one submission).

Allele frequency attached by ClinVar (database versions not stated): 1000 Genomes Project 0.22384; 1000 Genomes Project 30x 0.22845; TOPMed 0.33301; gnomAD 0.33820 and 0.34568.
gnomAD v4.1: 51,316 of 152,018 alleles (34%); highest among the groups gnomAD compares: Non-Finnish European, 43%; 9,607 homozygotes.

Submission:

GeneDx
Classification: Benign. Last evaluated: 2018-07-13. Review status: criteria provided, single submitter. Criteria: GeneDx Variant Classification Process June 2021. Collection method: clinical testing. Allele origin: germline. Affected: yes.
Comment: This variant is associated with the following publications: (PMID: 23586973, 29476007, 25437874)